The following is an entry in ClinVar:

NM_024642.5(GALNT12):c.1651G>T (p.Ala551Ser)

Gene: GALNT12 (polypeptide N-acetylgalactosaminyltransferase 12; plus strand). Cytogenetic location: 9q22.33.
Variant type: single nucleotide variant.
Coding change: c.1651G>T on transcript NM_024642.5 (MANE Select); coding-DNA position 1651, G replaced by T.
Protein change: p.Ala551Ser; replaces alanine 551 with serine.
Molecular consequence: missense variant.
Genome position (GRCh38, 1-based): chr9:98,848,997, G>T. VCF-style: chr9-98848997-G-T. GRCh37 (hg19) VCF-style: chr9-101611279-G-T.
Other names: short protein forms A551S.
Identifiers: ClinVar variation 1777269 (VCV001777269.2), dbSNP rs2118522789, ClinGen allele CA374222947.

ClinVar aggregate classification (germline): Uncertain significance (1 of 4 stars; one submission).

Submission:

Ambry Genetics
Classification: Uncertain significance. Last evaluated: 2021-10-07. Review status: criteria provided, single submitter. Criteria: Ambry Variant Classification Scheme 2023. Collection method: clinical testing. Allele origin: germline.
Comment: The p.A551S variant (also known as c.1651G>T), located in coding exon 10 of the GALNT12 gene, results from a G to T substitution at nucleotide position 1651. The alanine at codon 551 is replaced by serine, an amino acid with similar properties. This amino acid position is conserved. In addition, this alteration is predicted to be tolerated by in silico analysis. Since supporting evidence is limited at this time, the clinical significance of this alteration remains unclear.